The following is an entry in ClinVar:

NM_152703.5(SAMD9L):c.889_890dup (p.Asn297fs)

Gene: SAMD9L (sterile alpha motif domain containing 9 like; minus strand). Cytogenetic location: 7q21.2.
Variant type: Duplication.
Coding change: c.889_890dup on transcript NM_152703.5 (MANE Select); coding-DNA positions 889 to 890, 2 bases duplicated (AA; older notation c.889_890dupAA).
Protein change: p.Asn297fs; shifts the reading frame from asparagine 297.
Molecular consequence: frameshift variant.
Genome position (GRCh38, 1-based): chr7:93,135,082-93,135,083, TT duplicated on the plus strand (AA on the coding strand, the reverse complement: SAMD9L is on the minus strand). VCF-style (leftmost placement, unchanged base first): chr7-93135081-A-ATT. GRCh37 (hg19) VCF-style: chr7-92764394-A-ATT.
Other names: c.889_890dup, p.Asn297fs (NM_001303496.3, NM_001303497.3, NM_001303498.3 and 5 more transcripts); short protein forms N297fs.
Identifiers: ClinVar variation 2792921 (VCV002792921.3), dbSNP rs2535433286, ClinGen allele CA2739279245.

ClinVar aggregate classification (germline): Uncertain significance (1 of 4 stars; one submission).

Submission:

Labcorp Genetics (formerly Invitae), Labcorp
Classification: Uncertain significance. Last evaluated: 2023-11-13. Review status: criteria provided, single submitter. Criteria: Invitae Variant Classification Sherloc (09022015). Collection method: clinical testing. Allele origin: germline.
Comment: This sequence change creates a premature translational stop signal (p.Asn297Lysfs*48) in the SAMD9L gene. While this is not anticipated to result in nonsense mediated decay, it is expected to disrupt the last 1288 amino acid(s) of the SAMD9L protein. This variant is not present in population databases (gnomAD no frequency). This variant has not been reported in the literature in individuals affected with SAMD9L-related conditions. Experimental studies and prediction algorithms are not available or were not evaluated, and the functional significance of this variant is currently unknown. In summary, the available evidence is currently insufficient to determine the role of this variant in disease. Therefore, it has been classified as a Variant of Uncertain Significance.